The following is an entry in ClinVar:

NM_000395.3(CSF2RB):c.1179C>G (p.Asn393Lys)

Gene: CSF2RB (colony stimulating factor 2 receptor subunit beta; plus strand). Cytogenetic location: 22q12.3.
Variant type: single nucleotide variant.
Coding change: c.1179C>G on transcript NM_000395.3 (MANE Select); coding-DNA position 1179, C replaced by G.
Protein change: p.Asn393Lys; replaces asparagine 393 with lysine.
Molecular consequence: missense variant.
Genome position (GRCh38, 1-based): chr22:36,933,858, C>G. VCF-style: chr22-36933858-C-G. GRCh37 (hg19) VCF-style: chr22-37329900-C-G.
Other names: c.1197C>G, p.Asn399Lys (NM_001410827.1); short protein forms N393K, N399K.
Identifiers: ClinVar variation 2771048 (VCV002771048.3), dbSNP rs2229173, ClinGen allele CA411408863.

ClinVar aggregate classification (germline): Uncertain significance (1 of 4 stars; one submission).

gnomAD v4.1: 1 of 1,609,936 alleles (0.000062%); highest among the groups gnomAD compares: Non-Finnish European, 0.000085%; no homozygotes.

Submission:

Labcorp Genetics (formerly Invitae), Labcorp
Classification: Uncertain significance. Last evaluated: 2024-06-06. Review status: criteria provided, single submitter. Criteria: Invitae Variant Classification Sherloc (09022015). Collection method: clinical testing. Allele origin: germline.
Comment: This sequence change replaces asparagine, which is neutral and polar, with lysine, which is basic and polar, at codon 393 of the CSF2RB protein (p.Asn393Lys). This variant is not present in population databases (gnomAD no frequency). This variant has not been reported in the literature in individuals affected with CSF2RB-related conditions. Advanced modeling of protein sequence and biophysical properties (such as structural, functional, and spatial information, amino acid conservation, physicochemical variation, residue mobility, and thermodynamic stability) performed at Invitae indicates that this missense variant is not expected to disrupt CSF2RB protein function with a negative predictive value of 80%. In summary, the available evidence is currently insufficient to determine the role of this variant in disease. Therefore, it has been classified as a Variant of Uncertain Significance.